The following is an entry in ClinVar:

NC_000009.11:g.(?_71627953)_(72006720_?)del

Genes: PRKACG (protein kinase cAMP-activated catalytic subunit gamma; minus strand), BANCR (BRAF-activated non-protein coding RNA; minus strand), ENTREP1 (endosomal transmembrane epsin interactor 1; plus strand), FXN (frataxin; plus strand), TJP2 (tight junction protein 2; plus strand). Cytogenetic location: 9q21.11.
Variant type: Deletion.
Identifiers: ClinVar variation 3245327 (VCV003245327.1).

ClinVar aggregate classification (germline): Pathogenic (1 of 4 stars; one submission).

Submission:

Labcorp Genetics (formerly Invitae), Labcorp
Classification: Pathogenic. Last evaluated: 2023-12-07. Review status: criteria provided, single submitter. Criteria: Invitae Variant Classification Sherloc (09022015). Collection method: clinical testing. Allele origin: unknown.
Comment: A gross deletion of the genomic region encompassing the full coding sequence of the TJP2 gene has been identified. Loss-of-function variants in TJP2 are known to be pathogenic (PMID: 24614073, 25921221, 28039895). The boundaries of this event are unknown as they extend beyond the assayed region for this gene and therefore may encompass additional genes. This variant has not been reported in the literature in individuals affected with TJP2-related conditions. For these reasons, this variant has been classified as Pathogenic.

Literature cited by the submitters: PubMed 24614073; PubMed 25921221; PubMed 28039895.